The following is an entry in ClinVar:

ClinVar aggregate classification (germline): Uncertain significance (1 of 4 stars; one submission).

Conditions:
Ullrich congenital muscular dystrophy 2 (UCMD2). Identifiers: Orphanet 75840, MedGen C4225314, MONDO:0014654, OMIM 616470.
Bethlem myopathy 2 (BTHLM2). Identifiers: Orphanet 536516, Orphanet 610, MedGen C4225313, MONDO:0034022, OMIM 616471.

Allele frequency attached by ClinVar (database versions not stated): gnomAD 0.00001; gnomAD exomes 0.00001.
gnomAD v4.1: 4 of 1,613,742 alleles (0.00025%); highest among the groups gnomAD compares: Admixed American, 0.0017%; no homozygotes.

Submission:

Labcorp Genetics (formerly Invitae), Labcorp
Classification: Uncertain significance for Bethlem myopathy 2; Ullrich congenital muscular dystrophy 2. Last evaluated: 2024-07-12. Review status: criteria provided, single submitter. Criteria: Invitae Variant Classification Sherloc (09022015). Collection method: clinical testing. Allele origin: germline.
Comment: This sequence change replaces valine, which is neutral and non-polar, with isoleucine, which is neutral and non-polar, at codon 1316 of the COL12A1 protein (p.Val1316Ile). This variant is not present in population databases (gnomAD no frequency). This variant has not been reported in the literature in individuals affected with COL12A1-related conditions. ClinVar contains an entry for this variant (Variation ID: 2150142). Advanced modeling of protein sequence and biophysical properties (such as structural, functional, and spatial information, amino acid conservation, physicochemical variation, residue mobility, and thermodynamic stability) performed at Invitae indicates that this missense variant is not expected to disrupt COL12A1 protein function with a negative predictive value of 80%. In summary, the available evidence is currently insufficient to determine the role of this variant in disease. Therefore, it has been classified as a Variant of Uncertain Significance.

NM_004370.6(COL12A1):c.3946G>A (p.Val1316Ile)

Gene: COL12A1 (collagen type XII alpha 1 chain; minus strand). Cytogenetic location: 6q13.
Variant type: single nucleotide variant.
Coding change: c.3946G>A on transcript NM_004370.6 (MANE Select); coding-DNA position 3946, G replaced by A.
Protein change: p.Val1316Ile; replaces valine 1316 with isoleucine.
Molecular consequence: missense variant.
Genome position (GRCh38, 1-based): chr6:75,151,921, C>T on the plus strand (G>A on the coding strand, the complement: COL12A1 is on the minus strand). VCF-style: chr6-75151921-C-T. GRCh37 (hg19) VCF-style: chr6-75861637-C-T.
Other names: c.454G>A, p.Val152Ile (NM_080645.3); short protein forms V152I, V1316I.
Identifiers: ClinVar variation 2150142 (VCV002150142.4), dbSNP rs1767511718, ClinGen allele CA364747913.